The following is an entry in ClinVar:

ClinVar aggregate classification (germline): Uncertain significance (1 of 4 stars; one submission).

Conditions:
Primary ciliary dyskinesia. Also called: Ciliary dyskinesia. Identifiers: Orphanet 244, MedGen C0008780, MONDO:0016575, HP:0012265.

Submission:

Ambry Genetics
Classification: Uncertain significance for Primary ciliary dyskinesia. Last evaluated: 2024-08-19. Review status: criteria provided, single submitter. Criteria: Ambry Variant Classification Scheme 2023. Collection method: clinical testing. Allele origin: germline.
Comment: The p.Q79L variant (also known as c.236A>T), located in coding exon 1 of the DNAH11 gene, results from an A to T substitution at nucleotide position 236. The glutamine at codon 79 is replaced by leucine, an amino acid with dissimilar properties. This amino acid position is conserved. In addition, this alteration is predicted to be tolerated by in silico analysis. Based on the available evidence, the clinical significance of this variant remains unclear.

NM_001277115.2(DNAH11):c.236A>T (p.Gln79Leu)

Gene: DNAH11 (dynein axonemal heavy chain 11; plus strand). Cytogenetic location: 7p15.3.
Variant type: single nucleotide variant.
Coding change: c.236A>T on transcript NM_001277115.2 (MANE Select); coding-DNA position 236, A replaced by T.
Protein change: p.Gln79Leu; replaces glutamine 79 with leucine.
Molecular consequence: missense variant.
Genome position (GRCh38, 1-based): chr7:21,543,481, A>T. VCF-style: chr7-21543481-A-T. GRCh37 (hg19) VCF-style: chr7-21583099-A-T.
Other names: short protein forms Q79L.
Identifiers: ClinVar variation 3503064 (VCV003503064.1).